The following is an entry in ClinVar:

ClinVar aggregate classification (germline): Uncertain significance (1 of 4 stars; one submission).

Allele frequency attached by ClinVar (database versions not stated): gnomAD exomes below 0.00001.
gnomAD v4.1: 1 of 1,613,838 alleles (0.000062%); highest among the groups gnomAD compares: Non-Finnish European, 0.000085%; no homozygotes.

Submission:

Labcorp Genetics (formerly Invitae), Labcorp
Classification: Uncertain significance. Last evaluated: 2022-02-22. Review status: criteria provided, single submitter. Criteria: Invitae Variant Classification Sherloc (09022015). Collection method: clinical testing. Allele origin: germline.
Comment: This sequence change replaces threonine, which is neutral and polar, with isoleucine, which is neutral and non-polar, at codon 1001 of the CLTC protein (p.Thr1001Ile). This variant is not present in population databases (gnomAD no frequency). This variant has not been reported in the literature in individuals affected with CLTC-related conditions. Algorithms developed to predict the effect of missense changes on protein structure and function are either unavailable or do not agree on the potential impact of this missense change (SIFT: "Deleterious"; PolyPhen-2: "Not Available"; Align-GVGD: "Class C15"). In summary, the available evidence is currently insufficient to determine the role of this variant in disease. Therefore, it has been classified as a Variant of Uncertain Significance.

NM_004859.4(CLTC):c.2990C>T (p.Thr997Ile)

Gene: CLTC (clathrin heavy chain; plus strand). Cytogenetic location: 17q23.1.
Variant type: single nucleotide variant.
Coding change: c.2990C>T on transcript NM_004859.4 (MANE Select); coding-DNA position 2990, C replaced by T.
Protein change: p.Thr997Ile; replaces threonine 997 with isoleucine.
Molecular consequence: missense variant.
Genome position (GRCh38, 1-based): chr17:59,680,982, C>T. VCF-style: chr17-59680982-C-T. GRCh37 (hg19) VCF-style: chr17-57758343-C-T.
Other names: c.3002C>T, p.Thr1001Ile (NM_001288653.2); short protein forms T1001I, T997I.
Identifiers: ClinVar variation 2101417 (VCV002101417.4), dbSNP rs2033070345, ClinGen allele CA400416743.